The following is an entry in ClinVar:

ClinVar aggregate classification (germline): Uncertain significance (1 of 4 stars; one submission).

Allele frequency attached by ClinVar (database versions not stated): gnomAD 0.00003; gnomAD exomes 0.00003; TOPMed 0.00003; ExAC 0.00004.

Submission:

Labcorp Genetics (formerly Invitae), Labcorp
Classification: Uncertain significance. Last evaluated: 2022-08-24. Review status: criteria provided, single submitter. Criteria: Invitae Variant Classification Sherloc (09022015). Collection method: clinical testing. Allele origin: germline.
Comment: This sequence change replaces threonine, which is neutral and polar, with methionine, which is neutral and non-polar, at codon 649 of the ZNF341 protein (p.Thr649Met). This variant is present in population databases (rs763451931, gnomAD 0.03%). This variant has not been reported in the literature in individuals affected with ZNF341-related conditions. Algorithms developed to predict the effect of missense changes on protein structure and function output the following: SIFT: "Tolerated"; PolyPhen-2: "Benign"; Align-GVGD: "Class C0". The methionine amino acid residue is found in multiple mammalian species, which suggests that this missense change does not adversely affect protein function. In summary, the available evidence is currently insufficient to determine the role of this variant in disease. Therefore, it has been classified as a Variant of Uncertain Significance.

NM_001282933.2(ZNF341):c.1967C>T (p.Thr656Met)

Genes: ZNF341 (zinc finger protein 341; plus strand), ZNF341-AS1 (ZNF341 antisense RNA 1; minus strand). Cytogenetic location: 20q11.22.
Variant type: single nucleotide variant.
Coding change: c.1967C>T on transcript NM_001282933.2 (MANE Select); coding-DNA position 1967, C replaced by T.
Protein change: p.Thr656Met; replaces threonine 656 with methionine.
Molecular consequence: missense variant. On other transcripts: non-coding transcript variant (1).
Genome position (GRCh38, 1-based): chr20:33,789,520, C>T. VCF-style: chr20-33789520-C-T. GRCh37 (hg19) VCF-style: chr20-32377326-C-T.
Other names: c.1697C>T, p.Thr566Met (NM_001282935.2); c.1946C>T, p.Thr649Met (NM_032819.5); short protein forms T566M, T656M, T649M.
Identifiers: ClinVar variation 2152329 (VCV002152329.1), dbSNP rs763451931, ClinGen allele CA9819648.